The following is an entry in ClinVar:

ClinVar aggregate classification (germline): Benign (1 of 4 stars; one submission).

Allele frequency attached by ClinVar (database versions not stated): 1000 Genomes Project 30x 0.85275; 1000 Genomes Project 0.85643; TOPMed 0.87762; ESP Exome Variant Server 0.89197; ExAC 0.91130; gnomAD exomes 0.92939.
gnomAD v4.1: 1,489,634 of 1,610,388 alleles (93%); highest among the groups gnomAD compares: Non-Finnish European, 94%; 690,555 homozygotes.

Submission:

Unidad de Genómica Garrahan, Hospital de Pediatría Garrahan
Classification: Benign. Last evaluated: 2024-01-24. Review status: criteria provided, single submitter. Criteria: ACMG Guidelines, 2015. Collection method: clinical testing. Allele origin: germline. Affected: no. Observed: 94 variant alleles.
Comment: This variant is classified as Benign based on local population frequency. This variant was detected in 99% of patients studied by a panel of primary immunodeficiencies. Number of patients: 94. Only high quality variants are reported.

NM_015122.3(FCHO1):c.1740+41G>C

Gene: FCHO1 (FCH and mu domain containing endocytic adaptor 1; plus strand). Cytogenetic location: 19p13.11.
Variant type: single nucleotide variant.
Coding change: c.1740+41G>C on transcript NM_015122.3 (MANE Select); 41 bases into the intron after coding-DNA position 1740, G replaced by C.
Molecular consequence: intron variant.
Genome position (GRCh38, 1-based): chr19:17,781,384, G>C. VCF-style: chr19-17781384-G-C. GRCh37 (hg19) VCF-style: chr19-17892193-G-C.
Other names: c.1740+41G>C (NM_001384370.1, NM_001384376.1, NM_001384375.1 and 13 more transcripts); c.1464+41G>C (NM_001384396.1, NM_001384404.1, NM_001384398.1 and 5 more transcripts); c.1665+41G>C (NM_001384390.1); c.1314+41G>C (NM_001384406.1); c.1170+41G>C (NM_001384407.1); c.1623+41G>C (NM_001384393.1, NM_001384394.1, NM_001384392.1 and 1 more transcripts); c.1419+41G>C (NM_001384403.1); c.1701+41G>C (NM_001384388.1, NM_001384405.1, NM_001384389.1); and 1 more.
Identifiers: ClinVar variation 2688161 (VCV002688161.2), dbSNP rs2287852, ClinGen allele CA9300612.